The following is an entry in ClinVar:

NM_014017.4(LAMTOR2):c.27G>T (p.Gln9His)

Gene: LAMTOR2 (late endosomal/lysosomal adaptor, MAPK and MTOR activator 2; plus strand). Cytogenetic location: 1q22.
Variant type: single nucleotide variant.
Coding change: c.27G>T on transcript NM_014017.4 (MANE Select); coding-DNA position 27, G replaced by T.
Protein change: p.Gln9His; replaces glutamine 9 with histidine.
Molecular consequence: missense variant.
Genome position (GRCh38, 1-based): chr1:156,054,916, G>T. VCF-style: chr1-156054916-G-T. GRCh37 (hg19) VCF-style: chr1-156024707-G-T.
Other names: c.27G>T, p.Gln9His (NM_001145264.2); short protein forms Q9H.
Identifiers: ClinVar variation 4771130 (VCV004771130.1).
Genomic context (GRCh38, chr1:156,054,916, plus strand): 5'-TGGGTGCAAAAGCCCAGGGTTAGGAACCGTAGGCATGCTGCGCCCCAAGGCTTTGACCCA[G>T]GTGCTAAGCCAAGCCAACACTGGAGGCGTCCAGAGCACCCTGTGAGTGCAGACCACGGAC-3'
Protein context (NP_054736.1, residues 1-19): MLRPKALT[Gln9His]VLSQANTGGV

ClinVar aggregate classification (germline): Uncertain significance (1 of 4 stars; one submission).

Submission:

Labcorp Genetics (formerly Invitae), Labcorp
Classification: Uncertain significance. Last evaluated: 2025-07-03. Review status: criteria provided, single submitter. Criteria: Invitae Variant Classification Sherloc (09022015). Collection method: clinical testing. Allele origin: germline.
Comment: This sequence change replaces glutamine, which is neutral and polar, with histidine, which is basic and polar, at codon 9 of the LAMTOR2 protein (p.Gln9His). This variant is present in population databases (no rsID available, gnomAD 0.0009%). This variant has not been reported in the literature in individuals affected with LAMTOR2-related conditions. An algorithm developed to predict the effect of missense changes on protein structure and function (PolyPhen-2) suggests that this variant is likely to be disruptive. In summary, the available evidence is currently insufficient to determine the role of this variant in disease. Therefore, it has been classified as a Variant of Uncertain Significance.